The following is an entry in ClinVar:

ClinVar aggregate classification (germline): Benign/Likely benign. Review status: criteria provided, multiple submitters, no conflicts (2 of 4 stars). 4 submissions from 4 submitters: Benign (1); Likely benign (2). 1 of the submissions does not count toward it. Last evaluated 2025-07-09.

Conditions:
PLCB4-related disorder. Also called: PLCB4-related condition.
Auriculocondylar syndrome 2 (ARCND2A). Also called: AURICULOCONDYLAR SYNDROME 2A. Identifiers: Orphanet 137888, MedGen C3553404, MONDO:0013845, OMIM 614669.

Allele frequency attached by ClinVar (database versions not stated): gnomAD exomes 0.00020 and 0.00025; ESP Exome Variant Server 0.00023; TOPMed 0.00023; gnomAD 0.00024 and 0.00027; 1000 Genomes Project 30x 0.00031; ExAC 0.00031; 1000 Genomes Project 0.00040.
gnomAD v4.1: 342 of 1,611,490 alleles (0.021%); highest among the groups gnomAD compares: South Asian, 0.1%; no homozygotes.

Submissions (4):

Labcorp Genetics (formerly Invitae), Labcorp
Classification: Likely benign. Last evaluated: 2025-07-09. Review status: criteria provided, single submitter. Criteria: Invitae Variant Classification Sherloc (09022015). Collection method: clinical testing. Allele origin: germline.

Blueprint Genetics
Classification: Likely benign. Last evaluated: 2024-11-13. Review status: criteria provided, single submitter. Criteria: ACMG Guidelines, 2015. Collection method: clinical testing. Allele origin: germline.

Illumina Laboratory Services, Illumina
Classification: Benign for Auriculocondylar syndrome 2. Last evaluated: 2018-01-13. Review status: criteria provided, single submitter. Criteria: ICSL Variant Classification Criteria 13 December 2019. Collection method: clinical testing. Allele origin: germline.
Comment: This variant was observed in the ICSL laboratory as part of a predisposition screen in an ostensibly healthy population. It had not been previously curated by ICSL or reported in the Human Gene Mutation Database (HGMD: prior to June 1st, 2018), and was therefore a candidate for classification through an automated scoring system. Utilizing variant allele frequency, disease prevalence and penetrance estimates, and inheritance mode, an automated score was calculated to assess if this variant is too frequent to cause the disease. Based on the score and internal cut-off values, a variant classified as benign is not then subjected to further curation. The score for this variant resulted in a classification of benign for this disease.

PreventionGenetics, part of Exact Sciences
Classification: Likely benign for PLCB4-related condition. Last evaluated: 2024-06-06. Review status: no assertion criteria provided. Collection method: clinical testing. Allele origin: germline. Not counted in ClinVar's aggregate classification.
Comment: This variant is classified as likely benign based on ACMG/AMP sequence variant interpretation guidelines (Richards et al. 2015 PMID: 25741868, with internal and published modifications).

NM_001377142.1(PLCB4):c.1485C>T (p.Asp495=)

Gene: PLCB4 (phospholipase C beta 4; plus strand). Cytogenetic location: 20p12.2.
Variant type: single nucleotide variant.
Coding change: c.1485C>T on transcript NM_001377142.1 (MANE Select); coding-DNA position 1485, C replaced by T.
Protein change: p.Asp495=; no amino-acid change (aspartic acid 495 retained).
Molecular consequence: synonymous variant.
Genome position (GRCh38, 1-based): chr20:9,395,593, C>T. VCF-style: chr20-9395593-C-T. GRCh37 (hg19) VCF-style: chr20-9376240-C-T.
Other names: c.1485C>T, p.Asp495= (NM_000933.4, NM_001172646.2, NM_001377134.2 and 4 more transcripts).
Identifiers: ClinVar variation 339564 (VCV000339564.11), dbSNP rs374048213, ClinGen allele CA9761110.